The following is an entry in ClinVar:

ClinVar aggregate classification (germline): Uncertain significance. Review status: criteria provided, multiple submitters, no conflicts (2 of 4 stars). 2 submissions from 2 submitters: Uncertain significance (2). Last evaluated 2025-08-01.

Conditions:
MHC class II deficiency. Also called: Bare lymphocyte syndrome 2; BLS, TYPE II. Identifiers: Orphanet 572, MedGen C5447452, MONDO:0008855.
Inborn genetic diseases. Identifiers: MedGen C0950123, MeSH D030342.

Allele frequency attached by ClinVar (database versions not stated): ExAC 0.00018; ESP Exome Variant Server 0.00031; TOPMed 0.00031; gnomAD 0.00033 and 0.00034; gnomAD exomes 0.00016.

Submissions (2):

Ambry Genetics
Classification: Uncertain significance for Inborn genetic diseases. Last evaluated: 2025-08-01. Review status: criteria provided, single submitter. Criteria: Ambry Variant Classification Scheme 2023. Collection method: clinical testing. Allele origin: germline.

Labcorp Genetics (formerly Invitae), Labcorp
Classification: Uncertain significance for MHC class II deficiency. Last evaluated: 2022-06-09. Review status: criteria provided, single submitter. Criteria: Invitae Variant Classification Sherloc (09022015). Collection method: clinical testing. Allele origin: germline.
Comment: This sequence change replaces glutamic acid, which is acidic and polar, with lysine, which is basic and polar, at codon 260 of the RFXANK protein (p.Glu260Lys). This variant is present in population databases (rs150729244, gnomAD 0.04%). This variant has not been reported in the literature in individuals affected with RFXANK-related conditions. ClinVar contains an entry for this variant (Variation ID: 857372). Algorithms developed to predict the effect of missense changes on protein structure and function (SIFT, PolyPhen-2, Align-GVGD) all suggest that this variant is likely to be tolerated. In summary, the available evidence is currently insufficient to determine the role of this variant in disease. Therefore, it has been classified as a Variant of Uncertain Significance.

NM_003721.4(RFXANK):c.778G>A (p.Glu260Lys)

Genes: NR2C2AP (nuclear receptor 2C2 associated protein; minus strand), RFXANK (regulatory factor X associated ankyrin containing protein; plus strand). Cytogenetic location: 19p13.11.
Variant type: single nucleotide variant.
Coding change: c.778G>A on transcript NM_003721.4 (MANE Select); coding-DNA position 778, G replaced by A.
Protein change: p.Glu260Lys; replaces glutamic acid 260 with lysine.
Molecular consequence: missense variant. On other transcripts: 3 prime UTR variant (1), intron variant (1).
Genome position (GRCh38, 1-based): chr19:19,201,714, G>A. VCF-style: chr19-19201714-G-A. GRCh37 (hg19) VCF-style: chr19-19312523-G-A.
Other names: c.*211C>T (NM_176880.6); c.712G>A, p.Glu238Lys (NM_001278727.2, NM_001370234.1); c.709G>A, p.Glu237Lys (NM_001278728.2, NM_134440.3); c.778G>A, p.Glu260Lys (NM_001370233.1); c.775G>A, p.Glu259Lys (NM_001370235.1, NM_001370236.1); c.850G>A, p.Glu284Lys (NM_001370237.1); c.853G>A, p.Glu285Lys (NM_001370238.1); c.415-151C>T (NM_001300945.2); short protein forms E237K, E259K, E260K, E284K, E238K, E285K.
Identifiers: ClinVar variation 857372 (VCV000857372.7), dbSNP rs150729244, ClinGen allele CA9322959.